The following is an entry in ClinVar:

NM_152564.5(VPS13B):c.1127A>G (p.His376Arg)

Gene: VPS13B (vacuolar protein sorting 13 homolog B; plus strand). Cytogenetic location: 8q22.2.
Variant type: single nucleotide variant.
Coding change: c.1127A>G on transcript NM_152564.5 (MANE Select); coding-DNA position 1127, A replaced by G.
Protein change: p.His376Arg; replaces histidine 376 with arginine.
Molecular consequence: missense variant. On other transcripts: non-coding transcript variant (1).
Genome position (GRCh38, 1-based): chr8:99,121,366, A>G. VCF-style: chr8-99121366-A-G. GRCh37 (hg19) VCF-style: chr8-100133594-A-G.
Other names: c.1127A>G, p.His376Arg (NM_015243.3, NM_017890.5, NM_181661.3); short protein forms H376R.
Identifiers: ClinVar variation 943032 (VCV000943032.6), dbSNP rs1209759817, ClinGen allele CA371861177.

ClinVar aggregate classification (germline): Uncertain significance (1 of 4 stars; one submission).

Conditions:
Cohen syndrome (COH1). Also called: PEPPER SYNDROME; Cutis verticis gyrata, retinitis pigmentosa, and sensorineural deafness. Identifiers: Orphanet 193, MedGen C0265223, MONDO:0008999, OMIM 216550.

Allele frequency attached by ClinVar (database versions not stated): gnomAD exomes below 0.00001; TOPMed below 0.00001; gnomAD 0.00001.
gnomAD v4.1: 4 of 1,614,114 alleles (0.00025%); highest among the groups gnomAD compares: African/African-American, 0.0027%; no homozygotes.

Submission:

Labcorp Genetics (formerly Invitae), Labcorp
Classification: Uncertain significance for Cohen syndrome. Last evaluated: 2019-05-31. Review status: criteria provided, single submitter. Criteria: Invitae Variant Classification Sherloc (09022015). Collection method: clinical testing. Allele origin: germline.
Comment: Algorithms developed to predict the effect of missense changes on protein structure and function (SIFT, PolyPhen-2, Align-GVGD) all suggest that this variant is likely to be tolerated, but these predictions have not been confirmed by published functional studies and their clinical significance is uncertain. This sequence change replaces histidine with arginine at codon 376 of the VPS13B protein (p.His376Arg). The histidine residue is weakly conserved and there is a small physicochemical difference between histidine and arginine. This variant is not present in population databases (ExAC no frequency). This variant has not been reported in the literature in individuals with VPS13B-related conditions. In summary, the available evidence is currently insufficient to determine the role of this variant in disease. Therefore, it has been classified as a Variant of Uncertain Significance.